The following is an entry in ClinVar:

NM_203447.4(DOCK8):c.476C>T (p.Pro159Leu)

Gene: DOCK8 (dedicator of cytokinesis 8; plus strand). Cytogenetic location: 9p24.3.
Variant type: single nucleotide variant.
Coding change: c.476C>T on transcript NM_203447.4 (MANE Select); coding-DNA position 476, C replaced by T.
Protein change: p.Pro159Leu; replaces proline 159 with leucine.
Molecular consequence: missense variant.
Genome position (GRCh38, 1-based): chr9:304,652, C>T. VCF-style: chr9-304652-C-T. GRCh37 (hg19) VCF-style: chr9-304652-C-T.
Other names: c.272C>T, p.Pro91Leu (NM_001190458.2, NM_001193536.2); short protein forms P91L, P159L.
Identifiers: ClinVar variation 665563 (VCV000665563.6), dbSNP rs537605467, ClinGen allele CA4957252.

ClinVar aggregate classification (germline): Uncertain significance. Review status: criteria provided, multiple submitters, no conflicts (2 of 4 stars). 3 submissions from 3 submitters: Uncertain significance (3). Last evaluated 2024-07-19.

Conditions:
Combined immunodeficiency due to DOCK8 deficiency (HIES2). Also called: HIES autosomal recessive; HYPER-IgE RECURRENT INFECTION SYNDROME 2, AUTOSOMAL RECESSIVE; HYPER-IgE SYNDROME 2, AUTOSOMAL RECESSIVE, WITH RECURRENT INFECTIONS; Hyper-IgE recurrent infection syndrome, autosomal recessive; DOCK8 Deficiency. Identifiers: Orphanet 217390, MedGen C4722305, MONDO:0009478, OMIM 243700.

Allele frequency attached by ClinVar (database versions not stated): gnomAD exomes 0.00003 and 0.00006; ExAC 0.00006; gnomAD 0.00010; TOPMed 0.00015; 1000 Genomes Project 30x 0.00016; 1000 Genomes Project 0.00020.
gnomAD v4.1: 56 of 1,614,162 alleles (0.0035%); highest among the groups gnomAD compares: Admixed American, 0.032%; no homozygotes.

Submissions (3):

Blueprint Genetics
Classification: Uncertain significance. Last evaluated: 2024-07-19. Review status: criteria provided, single submitter. Criteria: ACMG Guidelines, 2015. Collection method: clinical testing. Allele origin: germline.

Labcorp Genetics (formerly Invitae), Labcorp
Classification: Uncertain significance for Combined immunodeficiency due to DOCK8 deficiency. Last evaluated: 2022-08-22. Review status: criteria provided, single submitter. Criteria: Invitae Variant Classification Sherloc (09022015). Collection method: clinical testing. Allele origin: germline.
Comment: This sequence change replaces proline, which is neutral and non-polar, with leucine, which is neutral and non-polar, at codon 159 of the DOCK8 protein (p.Pro159Leu). This variant is present in population databases (rs537605467, gnomAD 0.01%). This variant has not been reported in the literature in individuals affected with DOCK8-related conditions. ClinVar contains an entry for this variant (Variation ID: 665563). Algorithms developed to predict the effect of missense changes on protein structure and function (SIFT, PolyPhen-2, Align-GVGD) all suggest that this variant is likely to be tolerated. In summary, the available evidence is currently insufficient to determine the role of this variant in disease. Therefore, it has been classified as a Variant of Uncertain Significance.

Fulgent Genetics
Classification: Uncertain significance for Combined immunodeficiency due to DOCK8 deficiency. Last evaluated: 2022-04-11. Review status: criteria provided, single submitter. Criteria: ACMG Guidelines, 2015. Collection method: clinical testing. Allele origin: unknown.